The following is an entry in ClinVar:

ClinVar aggregate classification (germline): Likely benign (1 of 4 stars; one submission).

Conditions:
Marfan syndrome (MFS). Also called: MARFAN SYNDROME, TYPE I; Marfan syndrome type 1; Marfan's syndrome; Marfan syndrome, classic; FBN1-Related Marfan Syndrome. Identifiers: Orphanet 284963, Orphanet 558, MedGen C0024796, MONDO:0007947, OMIM 154700.

Submission:

All of Us Research Program, National Institutes of Health
Classification: Likely benign for Marfan syndrome. Last evaluated: 2023-05-04. Review status: criteria provided, single submitter. Criteria: ACMG Guidelines, 2015. Collection method: clinical testing. Allele origin: germline. Inheritance: Autosomal dominant inheritance. Observed: 1 variant allele, 1 heterozygote.
Comment: This study involves interpretation of variants in research participants for the purpose of population health screening. Participant phenotype was not available at the time of variant classification. Additional details can be found in publication PMID: 35346344, PMCID: PMC8962531

NM_000138.5(FBN1):c.1333C>T (p.Leu445=)

Gene: FBN1 (fibrillin 1; minus strand). Cytogenetic location: 15q21.1.
Variant type: single nucleotide variant.
Coding change: c.1333C>T on transcript NM_000138.5 (MANE Select); coding-DNA position 1333, C replaced by T.
Protein change: p.Leu445=; no amino-acid change (leucine 445 retained).
Molecular consequence: synonymous variant.
Genome position (GRCh38, 1-based): chr15:48,515,522, G>A on the plus strand (C>T on the coding strand, the complement: FBN1 is on the minus strand). VCF-style: chr15-48515522-G-A. GRCh37 (hg19) VCF-style: chr15-48807719-G-A.
Other names: c.1333C>T, p.Leu445= (NM_001406716.1).
Identifiers: ClinVar variation 3070753 (VCV003070753.1), dbSNP rs2505617838, ClinGen allele CA490028314.